The following is an entry in ClinVar:

NM_017802.4(DNAAF5):c.987del (p.Phe330fs)

Gene: DNAAF5 (dynein axonemal assembly factor 5; plus strand). Cytogenetic location: 7p22.3.
Variant type: Deletion.
Coding change: c.987del on transcript NM_017802.4 (MANE Select); coding-DNA position 987, one base deleted (C; older notation c.987delC).
Protein change: p.Phe330fs; shifts the reading frame from phenylalanine 330.
Molecular consequence: frameshift variant. On other transcripts: non-coding transcript variant (1).
Genome position (GRCh38, 1-based): chr7:741,428, C deleted. VCF-style (leftmost placement, unchanged base first): chr7-741427-AC-A. GRCh37 (hg19) VCF-style: chr7-781064-AC-A.
Other names: short protein forms F330fs.
Identifiers: ClinVar variation 1957012 (VCV001957012.5), dbSNP rs2484059424, ClinGen allele CA2580076704.

ClinVar aggregate classification (germline): Pathogenic (1 of 4 stars; one submission).

Conditions:
Primary ciliary dyskinesia. Also called: Ciliary dyskinesia. Identifiers: Orphanet 244, MedGen C0008780, MONDO:0016575, HP:0012265.

Submission:

Labcorp Genetics (formerly Invitae), Labcorp
Classification: Pathogenic for Primary ciliary dyskinesia. Last evaluated: 2022-08-11. Review status: criteria provided, single submitter. Criteria: Invitae Variant Classification Sherloc (09022015). Collection method: clinical testing. Allele origin: germline.
Comment: This variant has not been reported in the literature in individuals affected with DNAAF5-related conditions. For these reasons, this variant has been classified as Pathogenic. This variant is not present in population databases (gnomAD no frequency). This sequence change creates a premature translational stop signal (p.Phe330Leufs*48) in the DNAAF5 gene. It is expected to result in an absent or disrupted protein product. Loss-of-function variants in DNAAF5 are known to be pathogenic (PMID: 24307375, 25232951).

Literature cited by the submitters: PubMed 24307375; PubMed 25232951.